The following is an entry in ClinVar:

NM_001382567.1(STIM1):c.62A>G (p.Gln21Arg)

Gene: STIM1 (stromal interaction molecule 1; plus strand). Cytogenetic location: 11p15.4.
Variant type: single nucleotide variant.
Coding change: c.62A>G on transcript NM_001382567.1 (MANE Select); coding-DNA position 62, A replaced by G.
Protein change: p.Gln21Arg; replaces glutamine 21 with arginine.
Molecular consequence: missense variant. On other transcripts: non-coding transcript variant (3), intron variant (10), 5 prime UTR variant (1).
Genome position (GRCh38, 1-based): chr11:3,856,332, A>G. VCF-style: chr11-3856332-A-G. GRCh37 (hg19) VCF-style: chr11-3877562-A-G.
Other names: c.62A>G, p.Gln21Arg (NM_001382572.1, NM_003156.4, NM_001277961.3 and 3 more transcripts); c.-84+1596A>G (NM_001382578.1, NM_001382575.1, NM_001382574.1); c.-220+1596A>G (NM_001382580.1, NM_001382581.1); c.-84+1678A>G (NM_001382576.1); c.-84+916A>G (NM_001382566.1, NM_001382579.1, NM_001382577.1 and 1 more transcripts); c.58A>G, p.Arg20Gly (NM_001382569.1); c.-176A>G (NM_001382571.1); c.62A>G (NM_003156.3); short protein forms Q21R, R20G.
Identifiers: ClinVar variation 1426521 (VCV001426521.9), dbSNP rs201500852, ClinGen allele CA5830110.

ClinVar aggregate classification (germline): Uncertain significance. Review status: criteria provided, multiple submitters, no conflicts (2 of 4 stars). 2 submissions from 2 submitters: Uncertain significance (2). Last evaluated 2025-08-15.

Conditions:
Inborn genetic diseases. Identifiers: MedGen C0950123, MeSH D030342.
Combined immunodeficiency due to STIM1 deficiency. Also called: STIM1 DEFICIENCY; IMMUNODEFICIENCY 10. Identifiers: Orphanet 169090, Orphanet 317430, MedGen C2748557, MONDO:0013008, OMIM 612783.
Myopathy with tubular aggregates (TAM). Also called: Tubular Aggregate Myopathy. Identifiers: Orphanet 2593, MedGen C0410207, MONDO:0008051.
Stormorken syndrome (STRMK). Also called: THROMBOCYTOPATHY, ASPLENIA, AND MIOSIS. Identifiers: Orphanet 3204, MedGen C1861451, MONDO:0008497, OMIM 185070.

Allele frequency attached by ClinVar (database versions not stated): ExAC 0.00001; gnomAD 0.00001; TOPMed 0.00001; gnomAD exomes 0.00002 and 0.00001.
gnomAD v4.1: 11 of 1,614,086 alleles (0.00068%); highest among the groups gnomAD compares: Non-Finnish European, 0.00093%; no homozygotes.

Submissions (2):

Labcorp Genetics (formerly Invitae), Labcorp
Classification: Uncertain significance for Myopathy with tubular aggregates; Combined immunodeficiency due to STIM1 deficiency; Stormorken syndrome. Last evaluated: 2025-08-15. Review status: criteria provided, single submitter. Criteria: Invitae Variant Classification Sherloc (09022015). Collection method: clinical testing. Allele origin: germline.
Comment: This sequence change replaces glutamine, which is neutral and polar, with arginine, which is basic and polar, at codon 21 of the STIM1 protein (p.Gln21Arg). This variant is present in population databases (rs201500852, gnomAD 0.004%). This variant has not been reported in the literature in individuals affected with STIM1-related conditions. ClinVar contains an entry for this variant (Variation ID: 1426521). Invitae Evidence Modeling of protein sequence and biophysical properties (such as structural, functional, and spatial information, amino acid conservation, physicochemical variation, residue mobility, and thermodynamic stability) indicates that this missense variant is not expected to disrupt STIM1 protein function with a negative predictive value of 95%. In summary, the available evidence is currently insufficient to determine the role of this variant in disease. Therefore, it has been classified as a Variant of Uncertain Significance.

Ambry Genetics
Classification: Uncertain significance for Inborn genetic diseases. Last evaluated: 2024-04-15. Review status: criteria provided, single submitter. Criteria: Ambry Variant Classification Scheme 2023. Collection method: clinical testing. Allele origin: germline.